The following is an entry in ClinVar:

NM_003072.5(SMARCA4):c.2424C>T (p.Ile808=)

Gene: SMARCA4 (SWI/SNF related BAF chromatin remodeling complex subunit ATPase 4; plus strand). Cytogenetic location: 19p13.2.
Variant type: single nucleotide variant.
Coding change: c.2424C>T on transcript NM_003072.5 (MANE Select); coding-DNA position 2424, C replaced by T.
Protein change: p.Ile808=; no amino-acid change (isoleucine 808 retained).
Molecular consequence: synonymous variant. On other transcripts: non-coding transcript variant (1).
Genome position (GRCh38, 1-based): chr19:11,013,098, C>T. VCF-style: chr19-11013098-C-T. GRCh37 (hg19) VCF-style: chr19-11123774-C-T.
Other names: c.2424C>T, p.Ile808= (NM_001128844.3, NM_001128845.2, NM_001128846.2 and 5 more transcripts).
Identifiers: ClinVar variation 415124 (VCV000415124.16), dbSNP rs1060504452, ClinGen allele CA16616146.
Genomic context (GRCh38, chr19:11,013,098, plus strand): 5'-GACCATCGCGCTCATCACGTACCTCATGGAGCACAAACGCATCAATGGGCCCTTCCTCAT[C>T]ATCGTGCCTCTCTCGTGAGTACCCGCTGCCAGCAACATCCCACACGCCGCTCACACGCTC-3'
Protein context (NP_003063.2, residues 798-818): EHKRINGPFL[Ile808=]IVPLSTLSNW

ClinVar aggregate classification (germline): Likely benign. Review status: criteria provided, multiple submitters, no conflicts (2 of 4 stars). 3 submissions from 3 submitters: Likely benign (2). 1 of the submissions does not count toward it. Last evaluated 2026-01-26.

Conditions:
SMARCA4-related disorder. Also called: SMARCA4-related condition.
Hereditary cancer-predisposing syndrome. Also called: Tumor predisposition; Neoplastic Syndromes, Hereditary; Hereditary neoplastic syndrome; Hereditary Cancer Syndrome. Identifiers: Orphanet 140162, MedGen C0027672, MeSH D009386, MONDO:0015356.
Rhabdoid tumor predisposition syndrome 2 (RTPS2). Identifiers: Orphanet 231108, Orphanet 69077, MedGen C2750074, MONDO:0013224, OMIM 613325.

Allele frequency attached by ClinVar (database versions not stated): TOPMed below 0.00001.
gnomAD v4.1: 1 of 1,614,128 alleles (0.000062%); highest among the groups gnomAD compares: African/African-American, 0.0013%; no homozygotes.

Submissions (3):

Labcorp Genetics (formerly Invitae), Labcorp
Classification: Likely benign for Rhabdoid tumor predisposition syndrome 2. Last evaluated: 2026-01-26. Review status: criteria provided, single submitter. Criteria: Invitae Variant Classification Sherloc (09022015). Collection method: clinical testing. Allele origin: germline.

Ambry Genetics
Classification: Likely benign for Hereditary cancer-predisposing syndrome. Last evaluated: 2019-11-07. Review status: criteria provided, single submitter. Criteria: Ambry Variant Classification Scheme 2023. Collection method: clinical testing. Allele origin: germline.

PreventionGenetics, part of Exact Sciences
Classification: Likely benign for SMARCA4-related condition. Last evaluated: 2020-12-15. Review status: no assertion criteria provided. Collection method: clinical testing. Allele origin: germline. Not counted in ClinVar's aggregate classification.
Comment: This variant is classified as likely benign based on ACMG/AMP sequence variant interpretation guidelines (Richards et al. 2015 PMID: 25741868, with internal and published modifications).